The following is an entry in ClinVar:

NM_001367624.2(ZNF469):c.4926G>A (p.Ser1642=)

Gene: ZNF469 (zinc finger protein 469; plus strand). Cytogenetic location: 16q24.2.
Variant type: single nucleotide variant.
Coding change: c.4926G>A on transcript NM_001367624.2 (MANE Select); coding-DNA position 4926, G replaced by A.
Protein change: p.Ser1642=; no amino-acid change (serine 1642 retained).
Molecular consequence: synonymous variant.
Genome position (GRCh38, 1-based): chr16:88,432,396, G>A. VCF-style: chr16-88432396-G-A. GRCh37 (hg19) VCF-style: chr16-88498804-G-A.
Other names: NM_001127464.1:c.4842G>A; NM_001127464.2:c.4842G>A; p.Ser1642=.
Identifiers: ClinVar variation 320934 (VCV000320934.22), dbSNP rs117310292, ClinGen allele CA8225027.
Genomic context (GRCh38, chr16:88,432,396, plus strand): 5'-CTCGGCAGCTGACCTCACGCGCGTTGGAGAATCCACTGCACATCGGGAGGGTGCGGAATC[G>A]GCTGTGGCCACCGTGGAAGCGGTTCAGGGGAGGCCTGGGGGGACGTGGCCCTGCCCAGCC-3'
Protein context (NP_001354553.1, residues 1632-1652): ESTAHREGAE[Ser1642=]AVATVEAVQG

ClinVar aggregate classification (germline): Benign/Likely benign. Review status: criteria provided, multiple submitters, no conflicts (2 of 4 stars). 9 submissions from 9 submitters: Benign (7); Likely benign (2). Last evaluated 2026-02-04.

Conditions:
Cardiovascular phenotype. Identifiers: MedGen CN230736.
Ehlers-Danlos syndrome (EDS). Identifiers: Orphanet 98249, MedGen C0013720, MONDO:0020066.
Brittle cornea syndrome 1 (BCS1). Also called: CORNEAL FRAGILITY, KERATOGLOBUS, BLUE SCLERAE, JOINT HYPEREXTENSIBILITY; EDS6B; FRAGILITAS OCULI WITH JOINT HYPEREXTENSIBILITY; DYSGENESIS MESODERMALIS CORNEAE ET SCLERAE; Corneal fragility keratoglobus, blue sclerae AND joint hypermobility. Identifiers: Orphanet 90354, MedGen C0268344, MONDO:0024543, OMIM 229200.

Allele frequency attached by ClinVar (database versions not stated): TOPMed 0.00839; gnomAD exomes 0.01159 and 0.01397; 1000 Genomes Project 30x 0.01577; ExAC 0.01586; 1000 Genomes Project 0.01637; gnomAD 0.00992 and 0.01074.
gnomAD v4.1: 17,913 of 1,549,666 alleles (1.2%); highest among the groups gnomAD compares: East Asian, 5.2%; 180 homozygotes.

Submissions (9):

Labcorp Genetics (formerly Invitae), Labcorp
Classification: Benign. Last evaluated: 2026-02-04. Review status: criteria provided, single submitter. Criteria: Invitae Variant Classification Sherloc (09022015). Collection method: clinical testing. Allele origin: germline.

Women's Health and Genetics/Laboratory Corporation of America, LabCorp
Classification: Benign. Last evaluated: 2026-01-22. Review status: criteria provided, single submitter. Criteria: LabCorp Variant Classification Summary - May 2015. Collection method: clinical testing. Allele origin: germline.

Blueprint Genetics
Classification: Likely benign. Last evaluated: 2024-11-27. Review status: criteria provided, single submitter. Criteria: ACMG Guidelines, 2015. Collection method: clinical testing. Allele origin: germline.

Mayo Clinic Laboratories, Mayo Clinic
Classification: Benign. Last evaluated: 2023-02-28. Review status: criteria provided, single submitter. Criteria: ACMG Guidelines, 2015. Collection method: clinical testing. Allele origin: germline. Observed: 57 variant alleles.
Comment: BS1, BP4, BP7

Genome Diagnostics Laboratory, The Hospital for Sick Children
Classification: Benign for Ehlers-Danlos syndrome. Last evaluated: 2022-03-03. Review status: criteria provided, single submitter. Criteria: ACMG Guidelines, 2015. Collection method: clinical testing. Allele origin: germline.

Genome-Nilou Lab
Classification: Benign for Brittle cornea syndrome 1. Last evaluated: 2021-12-05. Review status: criteria provided, single submitter. Criteria: ACMG Guidelines, 2015. Collection method: clinical testing. Allele origin: germline. Affected: no.

Ambry Genetics
Classification: Benign for Cardiovascular phenotype. Last evaluated: 2019-03-01. Review status: criteria provided, single submitter. Criteria: Ambry Variant Classification Scheme 2023. Collection method: clinical testing. Allele origin: germline.

GeneDx
Classification: Benign. Last evaluated: 2016-11-08. Review status: criteria provided, single submitter. Criteria: GeneDx Variant Classification (06012015). Collection method: clinical testing. Allele origin: germline. Affected: yes.
Comment: This variant is considered likely benign or benign based on one or more of the following criteria: it is a conservative change, it occurs at a poorly conserved position in the protein, it is predicted to be benign by multiple in silico algorithms, and/or has population frequency not consistent with disease.

Breakthrough Genomics
Classification: Likely benign. Review status: criteria provided, single submitter. Criteria: ACMG Guidelines, 2015. Collection method: not provided. Allele origin: germline. Inheritance: Autosomal recessive inheritance. Affected: yes.